The following is an entry in ClinVar:

ClinVar aggregate classification (germline): Uncertain significance. Review status: criteria provided, multiple submitters, no conflicts (2 of 4 stars). 2 submissions from 2 submitters: Uncertain significance (2). Last evaluated 2025-05-05.

Conditions:
Inborn genetic diseases. Identifiers: MedGen C0950123, MeSH D030342.

Allele frequency attached by ClinVar (database versions not stated): gnomAD 0.00004; gnomAD exomes 0.00001; TOPMed 0.00011.
gnomAD v4.1: 22 of 1,612,876 alleles (0.0014%); highest among the groups gnomAD compares: Admixed American, 0.01%; no homozygotes.

Submissions (2):

Ambry Genetics
Classification: Uncertain significance for Inborn genetic diseases. Last evaluated: 2025-05-05. Review status: criteria provided, single submitter. Criteria: Ambry Variant Classification Scheme 2023. Collection method: clinical testing. Allele origin: germline.

GeneDx
Classification: Uncertain significance. Last evaluated: 2017-10-23. Review status: criteria provided, single submitter. Criteria: GeneDx Variant Classification (06012015). Collection method: clinical testing. Allele origin: germline. Affected: yes.
Comment: The R212C variant in the ATAD3A gene has not been reported previously as a pathogenic variant, nor as a benign variant, to our knowledge. The R212C variant is observed in 1/33566 (0.003%) alleles from individuals of Latino background, in large population cohorts (Lek et al., 2016). The R212C variant is a non-conservative amino acid substitution, which is likely to impact secondary protein structure as these residues differ in polarity, charge, size and/or other properties. This substitution occurs at a position that is conserved across species and in silico analysis predicts this variant is probably damaging to the protein structure/function. We interpret R212C as a variant of uncertain significance.

NM_001170535.3(ATAD3A):c.634C>T (p.Arg212Cys)

Gene: ATAD3A (ATPase family AAA domain containing 3A; plus strand). Cytogenetic location: 1p36.33.
Variant type: single nucleotide variant.
Coding change: c.634C>T on transcript NM_001170535.3 (MANE Select); coding-DNA position 634, C replaced by T.
Protein change: p.Arg212Cys; replaces arginine 212 with cysteine.
Molecular consequence: missense variant.
Genome position (GRCh38, 1-based): chr1:1,520,260, C>T. VCF-style: chr1-1520260-C-T. GRCh37 (hg19) VCF-style: chr1-1455640-C-T.
Other names: c.397C>T, p.Arg133Cys (NM_001170536.3); c.778C>T, p.Arg260Cys (NM_018188.5); short protein forms R260C, R212C, R133C.
Identifiers: ClinVar variation 452740 (VCV000452740.3), dbSNP rs1023182167, ClinGen allele CA16782572.